The following is an entry in ClinVar:

NM_001298.3(CNGA3):c.1937G>A (p.Arg646His)

Gene: CNGA3 (cyclic nucleotide gated channel subunit alpha 3; plus strand). Cytogenetic location: 2q11.2.
Variant type: single nucleotide variant.
Coding change: c.1937G>A on transcript NM_001298.3 (MANE Select); coding-DNA position 1937, G replaced by A.
Protein change: p.Arg646His; replaces arginine 646 with histidine.
Molecular consequence: missense variant.
Genome position (GRCh38, 1-based): chr2:98,397,107, G>A. VCF-style: chr2-98397107-G-A. GRCh37 (hg19) VCF-style: chr2-99013570-G-A.
Other names: c.1883G>A, p.Arg628His (NM_001079878.2); short protein forms R628H, R646H.
Identifiers: ClinVar variation 1403708 (VCV001403708.6), dbSNP rs141577844, ClinGen allele CA1794119.

ClinVar aggregate classification (germline): Uncertain significance. Review status: criteria provided, multiple submitters, no conflicts (2 of 4 stars). 2 submissions from 2 submitters: Uncertain significance (2). Last evaluated 2024-10-26.

Allele frequency attached by ClinVar (database versions not stated): gnomAD exomes 0.00002; gnomAD 0.00003; TOPMed 0.00003; ExAC 0.00004; ESP Exome Variant Server 0.00015.
gnomAD v4.1: 31 of 1,614,054 alleles (0.0019%); highest among the groups gnomAD compares: East Asian, 0.045%; no homozygotes.

Submissions (2):

Labcorp Genetics (formerly Invitae), Labcorp
Classification: Uncertain significance. Last evaluated: 2024-10-26. Review status: criteria provided, single submitter. Criteria: Invitae Variant Classification Sherloc (09022015). Collection method: clinical testing. Allele origin: germline.
Comment: This sequence change replaces arginine, which is basic and polar, with histidine, which is basic and polar, at codon 646 of the CNGA3 protein (p.Arg646His). This variant is present in population databases (rs141577844, gnomAD 0.02%). This missense change has been observed in individual(s) with CNGA3-related conditions (PMID: 24903488). ClinVar contains an entry for this variant (Variation ID: 1403708). Invitae Evidence Modeling of protein sequence and biophysical properties (such as structural, functional, and spatial information, amino acid conservation, physicochemical variation, residue mobility, and thermodynamic stability) has been performed for this missense variant. However, the output from this modeling did not meet the statistical confidence thresholds required to predict the impact of this variant on CNGA3 protein function. In summary, the available evidence is currently insufficient to determine the role of this variant in disease. Therefore, it has been classified as a Variant of Uncertain Significance.

Blueprint Genetics
Classification: Uncertain significance. Last evaluated: 2023-08-08. Review status: criteria provided, single submitter. Criteria: ACMG Guidelines, 2015. Collection method: clinical testing. Allele origin: germline.

Literature cited by the submitters: PubMed 24903488 (cited by Labcorp Genetics (formerly Invitae), Labcorp).